The following is an entry in ClinVar:

NM_000492.4(CFTR):c.4137-12T>C

Gene: CFTR (CF transmembrane conductance regulator; plus strand). Cytogenetic location: 7q31.2.
Variant type: single nucleotide variant.
Coding change: c.4137-12T>C on transcript NM_000492.4 (MANE Select); 12 bases into the intron before coding-DNA position 4137, T replaced by C.
Molecular consequence: intron variant.
Genome position (GRCh38, 1-based): chr7:117,665,447, T>C. VCF-style: chr7-117665447-T-C. GRCh37 (hg19) VCF-style: chr7-117305501-T-C.
Identifiers: ClinVar variation 2562526 (VCV002562526.6), dbSNP rs1032196530, ClinGen allele CA164960591.
Genomic context (GRCh38, chr7:117,665,447, plus strand): 5'-ACATATTATCAAGGTAAATACAGATCATTACTGTTCTGTGATATTATGTGTGGTATTTTC[T>C]TTCTTTTCTAGAACATACCAAATAATTAGAAGAACTCTAAAACAAGCATTTGCTGATTGC-3'

ClinVar aggregate classification (germline): Likely benign. Review status: criteria provided, multiple submitters, no conflicts (2 of 4 stars). 3 submissions from 3 submitters: Likely benign (3). Last evaluated 2023-11-29.

Conditions:
Cystic fibrosis (CF). Also called: MUCOVISCIDOSIS. Identifiers: Orphanet 586, MedGen C0010674, MONDO:0009061, OMIM 219700. Disease mechanism: loss of function.

Allele frequency attached by ClinVar (database versions not stated): gnomAD 0.00001; gnomAD exomes 0.00001.
gnomAD v4.1: 16 of 1,487,192 alleles (0.0011%); highest among the groups gnomAD compares: Non-Finnish European, 0.0014%; no homozygotes.

Submissions (3):

Women's Health and Genetics/Laboratory Corporation of America, LabCorp
Classification: Likely benign. Last evaluated: 2023-11-29. Review status: criteria provided, single submitter. Criteria: LabCorp Variant Classification Summary - May 2015. Collection method: clinical testing. Allele origin: germline.
Comment: Variant summary: CFTR c.4137-12T>C alters a conserved nucleotide located at a position not widely known to affect splicing. Consensus agreement among computation tools predict no significant impact on normal splicing. However, these predictions have yet to be confirmed by functional studies. The variant was absent in 249266 control chromosomes. The available data on variant occurrences in the general population are insufficient to allow any conclusion about variant significance. To our knowledge, no occurrence of c.4137-12T>C in individuals affected with Chronic Pancreatitis Risk and no experimental evidence demonstrating its impact on protein function have been reported. No submitters have cited clinical-significance assessments for this variant to ClinVar after 2014. Based on the evidence outlined above, the variant was classified as likely benign.

Labcorp Genetics (formerly Invitae), Labcorp
Classification: Likely benign for Cystic fibrosis. Last evaluated: 2023-09-22. Review status: criteria provided, single submitter. Criteria: Invitae Variant Classification Sherloc (09022015). Collection method: clinical testing. Allele origin: germline.

Ambry Genetics
Classification: Likely benign for Cystic fibrosis. Last evaluated: 2023-06-06. Review status: criteria provided, single submitter. Criteria: Ambry Variant Classification Scheme 2023. Collection method: clinical testing. Allele origin: germline.